The following is an entry in ClinVar:

ClinVar aggregate classification (germline): Pathogenic (1 of 4 stars; one submission).

Submission:

GeneDx
Classification: Pathogenic. Last evaluated: 2017-04-24. Review status: criteria provided, single submitter. Criteria: GeneDx Variant Classification (06012015). Collection method: clinical testing. Allele origin: germline. Affected: yes.
Comment: The c.5116delC variant in the KMT2A gene has not been reported previously as a pathogenic variant nor as a benign variant, to our knowledge. The c.5116delC variant causes a frameshift starting with codon Glutamine 1706, changes this amino acid to a Serine residue, and creates a premature Stop codon at position 4 of the new reading frame, denoted p.Gln1706SerfsX4. This variant is predicted to cause loss of normal protein function either through protein truncation or nonsense-mediated mRNA decay. The c.5116delC variant is not observed in large population cohorts (Lek et al., 2016; 1000 Genomes Consortium et al., 2015; Exome Variant Server). We interpret c.5116delC as a pathogenic variant.

NM_001197104.2(KMT2A):c.5116del (p.Gln1706fs)

Gene: KMT2A (lysine methyltransferase 2A; plus strand). Cytogenetic location: 11q23.3.
Variant type: Deletion.
Coding change: c.5116del on transcript NM_001197104.2 (MANE Select); coding-DNA position 5116, one base deleted (C; older notation c.5116delC).
Protein change: p.Gln1706fs; shifts the reading frame from glutamine 1706.
Molecular consequence: frameshift variant.
Genome position (GRCh38, 1-based): chr11:118,493,168, C deleted. VCF-style (leftmost placement, unchanged base first): chr11-118493167-TC-T. GRCh37 (hg19) VCF-style: chr11-118363882-TC-T.
Other names: c.5107del, p.Gln1703fs (NM_005933.4); c.5116delC (NM_001197104.1); short protein forms Q1703fs, Q1706fs.
Identifiers: ClinVar variation 423869 (VCV000423869.2), dbSNP rs1064796672, ClinGen allele CA16619279.